The following is an entry in ClinVar:

ClinVar aggregate classification (germline): Pathogenic (1 of 4 stars; one submission).

Conditions:
Hypohidrotic X-linked ectodermal dysplasia (XHED). Also called: ECTODERMAL DYSPLASIA, HYPOHIDROTIC, 1; CST SYNDROME; Ectodermal Dysplasia 1, Anhidrotic; ECTODERMAL DYSPLASIA 1; Anhidrotic ectodermal dysplasia X-linked; Christ Siemens Touraine syndrome. Identifiers: Orphanet 181, Orphanet 238468, MedGen C0162359, MONDO:0010585, OMIM 305100.

Submission:

Labcorp Genetics (formerly Invitae), Labcorp
Classification: Pathogenic for Hypohidrotic X-linked ectodermal dysplasia. Last evaluated: 2023-05-20. Review status: criteria provided, single submitter. Criteria: Invitae Variant Classification Sherloc (09022015). Collection method: clinical testing. Allele origin: germline.
Comment: This sequence change creates a premature translational stop signal (p.Tyr343*) in the EDA gene. While this is not anticipated to result in nonsense mediated decay, it is expected to disrupt the last 49 amino acid(s) of the EDA protein. This variant is not present in population databases (gnomAD no frequency). This variant has not been reported in the literature in individuals affected with EDA-related conditions. This variant disrupts a region of the EDA protein in which other variant(s) (p.Arg384Ser) have been determined to be pathogenic (PMID: 25333067; Invitae). This suggests that this is a clinically significant region of the protein, and that variants that disrupt it are likely to be disease-causing. For these reasons, this variant has been classified as Pathogenic.

Literature cited by the submitters: PubMed 25333067.

NM_001399.5(EDA):c.1029del (p.Asn342_Tyr343insTer)

Gene: EDA (ectodysplasin A; plus strand). Cytogenetic location: Xq13.1.
Variant type: Deletion.
Coding change: c.1029del on transcript NM_001399.5 (MANE Select); coding-DNA position 1029, one base deleted (C; older notation c.1029delC).
Protein change: p.Asn342_Tyr343insTer.
Molecular consequence: nonsense.
Genome position (GRCh38, 1-based): chrX:70,035,462, C deleted. VCF-style (leftmost placement, unchanged base first): chrX-70035461-AC-A. GRCh37 (hg19) VCF-style: chrX-69255311-AC-A.
Other names: c.1023del, p.Asn340_Tyr341insTer (NM_001005609.2); c.1014del, p.Asn337_Tyr338insTer (NM_001005612.3).
Identifiers: ClinVar variation 2841990 (VCV002841990.3), dbSNP rs2520346934, ClinGen allele CA2739273564.